The following is an entry in ClinVar:

NM_000081.4(LYST):c.3754A>G (p.Ser1252Gly)

Gene: LYST (lysosomal trafficking regulator; minus strand). Cytogenetic location: 1q42.3.
Variant type: single nucleotide variant.
Coding change: c.3754A>G on transcript NM_000081.4 (MANE Select); coding-DNA position 3754, A replaced by G.
Protein change: p.Ser1252Gly; replaces serine 1252 with glycine.
Molecular consequence: missense variant.
Genome position (GRCh38, 1-based): chr1:235,801,056, T>C on the plus strand (A>G on the coding strand, the complement: LYST is on the minus strand). VCF-style: chr1-235801056-T-C. GRCh37 (hg19) VCF-style: chr1-235964356-T-C.
Other names: c.3754A>G, p.Ser1252Gly (NM_001301365.1); short protein forms S1252G.
Identifiers: ClinVar variation 2189909 (VCV002189909.3), dbSNP rs1371507184, ClinGen allele CA344944528.
Genomic context (GRCh38, chr1:235,801,056, plus strand): 5'-AAATCTCAGGATAAATTATTTCCCCTTGAGTGAGGTTTTCGAGTAAGTCATTTGGACTGC[T>C]TGATGCACTGAAACCTTCTGTTTCAGACTTTAAGTCTACCCCTGAAAAGAGAAAAGCGAA-3'
Protein context (NP_000072.2, residues 1242-1262): KSETEGFSAS[Ser1252Gly]SPNDLLENLT

ClinVar aggregate classification (germline): Uncertain significance (1 of 4 stars; one submission).

Conditions:
Chédiak-Higashi syndrome (CHS). Also called: Chediak-Higashi Syndrome. Identifiers: Orphanet 167, MedGen C0007965, MONDO:0008963, OMIM 214500.

Allele frequency attached by ClinVar (database versions not stated): gnomAD exomes below 0.00001; TOPMed below 0.00001; gnomAD 0.00001.
gnomAD v4.1: 4 of 1,613,204 alleles (0.00025%); highest among the groups gnomAD compares: African/African-American, 0.0013%; no homozygotes.

Submission:

Labcorp Genetics (formerly Invitae), Labcorp
Classification: Uncertain significance for Chédiak-Higashi syndrome. Last evaluated: 2025-01-27. Review status: criteria provided, single submitter. Criteria: Invitae Variant Classification Sherloc (09022015). Collection method: clinical testing. Allele origin: germline.
Comment: This sequence change replaces serine, which is neutral and polar, with glycine, which is neutral and non-polar, at codon 1252 of the LYST protein (p.Ser1252Gly). This variant is not present in population databases (gnomAD no frequency). This variant has not been reported in the literature in individuals affected with LYST-related conditions. ClinVar contains an entry for this variant (Variation ID: 2189909). Invitae Evidence Modeling of protein sequence and biophysical properties (such as structural, functional, and spatial information, amino acid conservation, physicochemical variation, residue mobility, and thermodynamic stability) indicates that this missense variant is not expected to disrupt LYST protein function with a negative predictive value of 80%. In summary, the available evidence is currently insufficient to determine the role of this variant in disease. Therefore, it has been classified as a Variant of Uncertain Significance.